The following is an entry in ClinVar:

ClinVar aggregate classification (germline): Uncertain significance (1 of 4 stars; one submission).

Conditions:
Hereditary cancer-predisposing syndrome. Also called: Neoplastic Syndromes, Hereditary; Tumor predisposition; Hereditary neoplastic syndrome; Hereditary Cancer Syndrome. Identifiers: Orphanet 140162, MedGen C0027672, MeSH D009386, MONDO:0015356.

Submission:

Ambry Genetics
Classification: Uncertain significance for Hereditary cancer-predisposing syndrome. Last evaluated: 2026-07-06. Review status: criteria provided, single submitter. Criteria: Ambry Variant Classification Scheme 2023. Collection method: clinical testing. Allele origin: germline.
Comment: The p.I206F variant (also known as c.616A>T), located in coding exon 5 of the CDH1 gene, results from an A to T substitution at nucleotide position 616. The isoleucine at codon 206 is replaced by phenylalanine, an amino acid with highly similar properties. This amino acid position is conserved. In addition, this alteration is predicted to be tolerated by in silico analysis. Based on the available evidence, the clinical significance of this variant remains unclear.

NM_004360.5(CDH1):c.616A>T (p.Ile206Phe)

Gene: CDH1 (cadherin 1; plus strand). Cytogenetic location: 16q22.1.
Variant type: single nucleotide variant.
Coding change: c.616A>T on transcript NM_004360.5 (MANE Select); coding-DNA position 616, A replaced by T.
Protein change: p.Ile206Phe; replaces isoleucine 206 with phenylalanine.
Molecular consequence: missense variant. On other transcripts: 5 prime UTR variant (2).
Genome position (GRCh38, 1-based): chr16:68,808,777, A>T. VCF-style: chr16-68808777-A-T. GRCh37 (hg19) VCF-style: chr16-68842680-A-T.
Other names: c.616A>T, p.Ile206Phe (NM_001317184.2); c.-1000A>T (NM_001317185.2); c.-1204A>T (NM_001317186.2); short protein forms I206F.
Identifiers: ClinVar variation 5033899 (VCV005033899.1).